The following is an entry in ClinVar:

NM_001365951.3(KIF1B):c.*2019C>T

Gene: KIF1B (kinesin family member 1B; plus strand). Cytogenetic location: 1p36.22.
Variant type: single nucleotide variant.
Coding change: c.*2019C>T on transcript NM_001365951.3 (MANE Select); 2019 bases downstream of the stop codon, C replaced by T.
Molecular consequence: 3 prime UTR variant.
Genome position (GRCh38, 1-based): chr1:10,378,606, C>T. VCF-style: chr1-10378606-C-T. GRCh37 (hg19) VCF-style: chr1-10438664-C-T.
Other names: c.*2019C>T (NM_001365952.1, NM_015074.3).
Identifiers: ClinVar variation 291616 (VCV000291616.5), dbSNP rs185749715, ClinGen allele CA10607291.

ClinVar aggregate classification (germline): Likely benign (1 of 4 stars; one submission).

Conditions:
Neuroblastoma (NB). Identifiers: Orphanet 635, MedGen C0027819, MeSH D009447, MONDO:0005072, HP:0003006.

Allele frequency attached by ClinVar (database versions not stated): gnomAD exomes 0.00019; TOPMed 0.00031; gnomAD 0.00037 and 0.00040; 1000 Genomes Project 30x 0.00109; 1000 Genomes Project 0.00120.
gnomAD v4.1: 162 of 592,696 alleles (0.027%); highest among the groups gnomAD compares: East Asian, 0.3%; no homozygotes.

Submission:

Illumina Laboratory Services, Illumina
Classification: Likely benign for Neuroblastoma. Last evaluated: 2018-01-13. Review status: criteria provided, single submitter. Criteria: ICSL Variant Classification Criteria 13 December 2019. Collection method: clinical testing. Allele origin: germline.
Comment: This variant was observed in the ICSL laboratory as part of a predisposition screen in an ostensibly healthy population. It had not been previously curated by ICSL or reported in the Human Gene Mutation Database (HGMD: prior to June 1st, 2018), and was therefore a candidate for classification through an automated scoring system. Utilizing variant allele frequency, disease prevalence and penetrance estimates, and inheritance mode, an automated score was calculated to assess if this variant is too frequent to cause the disease. Based on the score and internal cut-off values, a variant classified as likely benign is not then subjected to further curation. The score for this variant resulted in a classification of likely benign for this disease.